The following is an entry in ClinVar:

NM_005159.5(ACTC1):c.809-58TG[25]

Genes: ACTC1 (actin alpha cardiac muscle 1; minus strand), GJD2-DT (GJD2 divergent transcript; plus strand). Cytogenetic location: 15q14.
Variant type: Microsatellite.
Coding change: c.809-58TG[25] on transcript NM_005159.5 (MANE Select); 25 copies in a row of the 2-base unit TG starting at c.809-58; the reference has 23 copies in a row; two copies, 4 bases duplicated.
Molecular consequence: intron variant.
Genome position (GRCh38, 1-based): chr15:34,791,308-34,791,311, CACA duplicated on the plus strand (TGTG on the coding strand, the reverse complement: ACTC1 is on the minus strand); duplicating any 4 consecutive bases within chr15:34,791,308-34,791,353 gives the same sequence; the position shown is the placement nearest the transcript's 3' end. VCF-style (leftmost placement, unchanged base first): chr15-34791307-T-TCACA. GRCh37 (hg19) VCF-style: chr15-35083508-T-TCACA.
Identifiers: ClinVar variation 315710 (VCV000315710.21), dbSNP rs59431308, ClinGen allele CA10646877.

ClinVar aggregate classification (germline): Benign/Likely benign. Review status: criteria provided, multiple submitters, no conflicts (2 of 4 stars). 6 submissions from 6 submitters: Benign (2); Likely benign (2). 2 of the submissions do not count toward it. Last evaluated 2026-02-04.

Conditions:
Hypertrophic cardiomyopathy 11. Also called: ACTC1-Related Familial Hypertrophic Cardiomyopathy. Identifiers: MedGen C2677506, MONDO:0012799, OMIM 612098.
Atrial septal defect 5 (ASD5). Identifiers: Orphanet 1478, MedGen C2748552, MONDO:0013011, OMIM 612794.
Dilated cardiomyopathy 1R (CMD1R). Identifiers: Orphanet 154, Orphanet 54260, MedGen C3150681, MONDO:0013261, OMIM 613424.

Submissions (6):

Labcorp Genetics (formerly Invitae), Labcorp
Classification: Likely benign for Dilated cardiomyopathy 1R; Hypertrophic cardiomyopathy 11; Atrial septal defect 5. Last evaluated: 2026-02-04. Review status: criteria provided, single submitter. Criteria: Invitae Variant Classification Sherloc (09022015). Collection method: clinical testing. Allele origin: germline.

Blueprint Genetics
Classification: Likely benign. Last evaluated: 2024-11-27. Review status: criteria provided, single submitter. Criteria: ACMG Guidelines, 2015. Collection method: clinical testing. Allele origin: germline.

Women's Health and Genetics/Laboratory Corporation of America, LabCorp
Classification: Benign. Last evaluated: 2019-09-16. Review status: criteria provided, single submitter. Criteria: LabCorp Variant Classification Summary - May 2015. Collection method: clinical testing. Allele origin: germline.
Comment: Variant summary: ACTC1 c.809-16_809-13dupTGTG alters a non-conserved nucleotide located close to a canonical splice site and therefore could affect mRNA splicing, leading to a significantly altered protein sequence. 5/5 computational tools predict no significant impact on normal splicing. However, these predictions have yet to be confirmed by functional studies. The variant allele was found at a frequency of 0.15 in 24922 control chromosomes in the gnomAD database, including 303 homozygotes. The observed variant frequency is approximately 5812-folds over the estimated maximal expected allele frequency for a pathogenic variant in ACTC1 causing Cardiomyopathy phenotype (2.5e-05), strongly suggesting that the variant is benign. To our knowledge, no occurrence of c.809-16_809-13dupTGTG in individuals affected with Cardiomyopathy and no experimental evidence demonstrating its impact on protein function have been reported. No clinical diagnostic laboratories have submitted clinical-significance assessments for this variant to ClinVar after 2014. Based on the evidence outlined above, the variant was classified as benign.

GeneDx
Classification: Benign. Last evaluated: 2019-08-10. Review status: criteria provided, single submitter. Criteria: GeneDx Variant Classification Process June 2021. Collection method: clinical testing. Allele origin: germline. Affected: yes.

Diagnostic Laboratory, Department of Genetics, University Medical Center Groningen
Classification: Benign. Review status: no assertion criteria provided. Collection method: clinical testing. Allele origin: germline. Affected: yes. Study: VKGL Data-share Consensus. Not counted in ClinVar's aggregate classification.

Joint Genome Diagnostic Labs from Nijmegen and Maastricht, Radboudumc and MUMC+
Classification: Benign. Review status: no assertion criteria provided. Collection method: clinical testing. Allele origin: germline. Affected: yes. Study: VKGL Data-share Consensus. Not counted in ClinVar's aggregate classification.